The following is an entry in ClinVar:

NM_005477.3(HCN4):c.2383C>T (p.Leu795Phe)

Gene: HCN4 (hyperpolarization activated cyclic nucleotide gated potassium channel 4; minus strand). Cytogenetic location: 15q24.1.
Variant type: single nucleotide variant.
Coding change: c.2383C>T on transcript NM_005477.3 (MANE Select); coding-DNA position 2383, C replaced by T.
Protein change: p.Leu795Phe; replaces leucine 795 with phenylalanine.
Molecular consequence: missense variant.
Genome position (GRCh38, 1-based): chr15:73,323,710, G>A on the plus strand (C>T on the coding strand, the complement: HCN4 is on the minus strand). VCF-style: chr15-73323710-G-A. GRCh37 (hg19) VCF-style: chr15-73616051-G-A.
Other names: short protein forms L795F.
Identifiers: ClinVar variation 595951 (VCV000595951.20), dbSNP rs1435000428, ClinGen allele CA393088998.

ClinVar aggregate classification (germline): Uncertain significance. Review status: criteria provided, multiple submitters, no conflicts (2 of 4 stars). 5 submissions from 5 submitters: Uncertain significance (5). Last evaluated 2026-01-12.

Conditions:
Sick sinus syndrome 2, autosomal dominant (SSS2). Also called: SINUS BRADYCARDIA SYNDROME, FAMILIAL, AUTOSOMAL DOMINANT; SINUS NODE DISEASE, FAMILIAL, AUTOSOMAL DOMINANT; SICK SINUS SYNDROME 2; SICK SINUS SYNDROME 2 WITH OR WITHOUT CARDIAC NONCOMPACTION AND/OR ASCENDING AORTA DILATION; ATRIAL FIBRILLATION WITH BRADYARRHYTHMIA. Identifiers: Orphanet 166282, MedGen C1834144, MONDO:0008102, OMIM 163800.
Brugada syndrome 8 (BRGDA8). Identifiers: Orphanet 130, MedGen C2751083, MONDO:0013148, OMIM 613123.
Epilepsy, idiopathic generalized, susceptibility to, 18. Identifiers: MedGen C5561983, MONDO:0030434, OMIM 619521.
Cardiovascular phenotype. Identifiers: MedGen CN230736.

Allele frequency attached by ClinVar (database versions not stated): gnomAD exomes below 0.00001; TOPMed 0.00003; gnomAD 0.00004.
gnomAD v4.1: 9 of 1,598,762 alleles (0.00056%); highest among the groups gnomAD compares: African/African-American, 0.011%; no homozygotes.

Submissions (5):

Labcorp Genetics (formerly Invitae), Labcorp
Classification: Uncertain significance for Brugada syndrome 8. Last evaluated: 2026-01-12. Review status: criteria provided, single submitter. Criteria: Invitae Variant Classification Sherloc (09022015). Collection method: clinical testing. Allele origin: germline.
Comment: This sequence change replaces leucine, which is neutral and non-polar, with phenylalanine, which is neutral and non-polar, at codon 795 of the HCN4 protein (p.Leu795Phe). This variant is present in population databases (no rsID available, gnomAD 0.008%). This variant has not been reported in the literature in individuals affected with HCN4-related conditions. ClinVar contains an entry for this variant (Variation ID: 595951). Invitae Evidence Modeling of protein sequence and biophysical properties (such as structural, functional, and spatial information, amino acid conservation, physicochemical variation, residue mobility, and thermodynamic stability) indicates that this missense variant is not expected to disrupt HCN4 protein function with a negative predictive value of 95%. In summary, the available evidence is currently insufficient to determine the role of this variant in disease. Therefore, it has been classified as a Variant of Uncertain Significance.

Ambry Genetics
Classification: Uncertain significance for Cardiovascular phenotype. Last evaluated: 2025-10-25. Review status: criteria provided, single submitter. Criteria: Ambry Variant Classification Scheme 2023. Collection method: clinical testing. Allele origin: germline.
Comment: The p.L795F variant (also known as c.2383C>T), located in coding exon 8 of the HCN4 gene, results from a C to T substitution at nucleotide position 2383. The leucine at codon 795 is replaced by phenylalanine, an amino acid with highly similar properties. This amino acid position is highly conserved in available vertebrate species. In addition, the in silico prediction for this alteration is inconclusive. Since supporting evidence is limited at this time, the clinical significance of this alteration remains unclear.

GeneDx
Classification: Uncertain significance. Last evaluated: 2022-12-19. Review status: criteria provided, single submitter. Criteria: GeneDx Variant Classification Process June 2021. Collection method: clinical testing. Allele origin: germline. Affected: yes.
Comment: In silico analysis supports that this missense variant does not alter protein structure/function; Has not been previously published as pathogenic or benign to our knowledge

Fulgent Genetics
Classification: Uncertain significance for Sick sinus syndrome 2, autosomal dominant; Brugada syndrome 8; Epilepsy, idiopathic generalized, susceptibility to, 18. Last evaluated: 2021-11-09. Review status: criteria provided, single submitter. Criteria: ACMG Guidelines, 2015. Collection method: clinical testing. Allele origin: unknown.

Eurofins Ntd Llc (ga)
Classification: Uncertain significance. Last evaluated: 2018-01-29. Review status: criteria provided, single submitter. Criteria: EGL Classification Definitions 2015. Collection method: clinical testing. Allele origin: germline. Observed: 1 variant allele, 1 heterozygote.